The following is an entry in ClinVar:

NM_147127.5(EVC2):c.1351A>T (p.Met451Leu)

Genes: EVC2 (EvC ciliary complex subunit 2; minus strand), LOC126806961 (BRD4-independent group 4 enhancer GRCh37_chr4:5641443-5642642; plus strand). Cytogenetic location: 4p16.2.
Variant type: single nucleotide variant.
Coding change: c.1351A>T on transcript NM_147127.5 (MANE Select); coding-DNA position 1351, A replaced by T.
Protein change: p.Met451Leu; replaces methionine 451 with leucine.
Molecular consequence: missense variant.
Genome position (GRCh38, 1-based): chr4:5,640,633, T>A on the plus strand (A>T on the coding strand, the complement: EVC2 is on the minus strand). VCF-style: chr4-5640633-T-A. GRCh37 (hg19) VCF-style: chr4-5642360-T-A.
Other names: c.1111A>T, p.Met371Leu (NM_001166136.2); short protein forms M371L, M451L.
Identifiers: ClinVar variation 3753011 (VCV003753011.2).

ClinVar aggregate classification (germline): Uncertain significance (1 of 4 stars; one submission).

Conditions:
Curry-Hall syndrome (WAD). Also called: WEYERS ACRODENTAL DYSOSTOSIS. Identifiers: Orphanet 952, MedGen C0457013, MONDO:0008673, OMIM 193530.
Ellis-van Creveld syndrome (EVC). Also called: EVC-Related Ellis-van Creveld Syndrome; EVC2-Related Ellis-van Creveld Syndrome; MESOECTODERMAL DYSPLASIA; Chondroectodermal dysplasia. Identifiers: Orphanet 289, MedGen C0013903, MONDO:0009162, OMIM 225500.

Submission:

Labcorp Genetics (formerly Invitae), Labcorp
Classification: Uncertain significance for Curry-Hall syndrome; Ellis-van Creveld syndrome. Last evaluated: 2024-04-02. Review status: criteria provided, single submitter. Criteria: Invitae Variant Classification Sherloc (09022015). Collection method: clinical testing. Allele origin: germline.
Comment: This sequence change replaces methionine, which is neutral and non-polar, with leucine, which is neutral and non-polar, at codon 451 of the EVC2 protein (p.Met451Leu). This variant is not present in population databases (gnomAD no frequency). This variant has not been reported in the literature in individuals affected with EVC2-related conditions. An algorithm developed to predict the effect of missense changes on protein structure and function (PolyPhen-2) suggests that this variant is likely to be tolerated. In summary, the available evidence is currently insufficient to determine the role of this variant in disease. Therefore, it has been classified as a Variant of Uncertain Significance.